The following is an entry in ClinVar:

ClinVar aggregate classification (germline): Uncertain significance (1 of 4 stars; one submission).

Conditions:
Cardiovascular phenotype. Identifiers: MedGen CN230736.
Hereditary cancer-predisposing syndrome. Also called: Hereditary neoplastic syndrome; Neoplastic Syndromes, Hereditary; Tumor predisposition; Hereditary Cancer Syndrome. Identifiers: Orphanet 140162, MedGen C0027672, MeSH D009386, MONDO:0015356.

Submission:

Ambry Genetics
Classification: Uncertain significance for Cardiovascular phenotype; Hereditary cancer-predisposing syndrome. Last evaluated: 2025-07-28. Review status: criteria provided, single submitter. Criteria: Ambry Variant Classification Scheme 2023. Collection method: clinical testing. Allele origin: germline.
Comment: The p.S1386C variant (also known as c.4156A>T), located in coding exon 31 of the NF1 gene, results from an A to T substitution at nucleotide position 4156. The serine at codon 1386 is replaced by cysteine, an amino acid with dissimilar properties. This amino acid position is conserved. In addition, this alteration is predicted to be deleterious by in silico analysis. Based on the available evidence, the clinical significance of this variant remains unclear.

NM_001042492.3(NF1):c.4219A>T (p.Ser1407Cys)

Gene: NF1 (neurofibromin 1; plus strand). Cytogenetic location: 17q11.2.
Variant type: single nucleotide variant.
Coding change: c.4219A>T on transcript NM_001042492.3 (MANE Select); coding-DNA position 4219, A replaced by T.
Protein change: p.Ser1407Cys; replaces serine 1407 with cysteine.
Molecular consequence: missense variant.
Genome position (GRCh38, 1-based): chr17:31,258,389, A>T. VCF-style: chr17-31258389-A-T. GRCh37 (hg19) VCF-style: chr17-29585407-A-T.
Other names: c.4156A>T, p.Ser1386Cys (NM_000267.4); short protein forms S1386C, S1407C.
Identifiers: ClinVar variation 4119120 (VCV004119120.1).